The following is an entry in ClinVar:

NM_000350.3(ABCA4):c.769-6T>C

Gene: ABCA4 (ATP binding cassette subfamily A member 4; minus strand). Cytogenetic location: 1p22.1.
Variant type: single nucleotide variant.
Coding change: c.769-6T>C on transcript NM_000350.3 (MANE Select); 6 bases into the intron before coding-DNA position 769, T replaced by C.
Molecular consequence: intron variant.
Genome position (GRCh38, 1-based): chr1:94,083,447, A>G on the plus strand (T>C on the coding strand, the complement: ABCA4 is on the minus strand). VCF-style: chr1-94083447-A-G. GRCh37 (hg19) VCF-style: chr1-94549003-A-G.
Other names: c.769-6T>C (NM_001425324.1).
Identifiers: ClinVar variation 4887015 (VCV004887015.1).
Genomic context (GRCh38, chr1:94,083,447, plus strand): 5'-CTCCCCAAGATCTCAGATTGATACCTTGAGAACGGCTGTCTAGGAGTGTGGGAAGCTGTA[A>G]TTGACAGTAAAACAATTTTTTAAATATATATATGTTTGTAGGTATATACACACATAGGCA-3'

ClinVar aggregate classification (germline): Uncertain significance (1 of 4 stars; one submission).

Conditions:
Severe early-childhood-onset retinal dystrophy (STGD1). Also called: Stargardt macular dystrophy; Juvenile onset macular degeneration; Stargardt disease 1; MACULAR DYSTROPHY WITH FLECKS, TYPE 1; STGD. Identifiers: Orphanet 364055, Orphanet 827, MedGen C1855465, MeSH D000080362, MONDO:0009549, OMIM 248200.

gnomAD v4.1: 4 of 1,607,998 alleles (0.00025%); highest among the groups gnomAD compares: Non-Finnish European, 0.00034%; no homozygotes.

Submission:

MVZ Medizinische Genetik Mainz
Classification: Uncertain significance for Severe early-childhood-onset retinal dystrophy. Last evaluated: 2026-08-11. Review status: criteria provided, single submitter. Criteria: UK Practice Guidelines For Variant Classification V4 01 2020. Collection method: clinical testing. Allele origin: germline. Inheritance: Autosomal recessive inheritance. Affected: yes. Observed: 1 variant allele.
Comment: ACMG Criteria: PM2_SUP,PM3_SUP,PP3